The following is an entry in ClinVar:

NM_000428.3(LTBP2):c.4118C>T (p.Ala1373Val)

Gene: LTBP2 (latent transforming growth factor beta binding protein 2; minus strand). Cytogenetic location: 14q24.3.
Variant type: single nucleotide variant.
Coding change: c.4118C>T on transcript NM_000428.3 (MANE Select); coding-DNA position 4118, C replaced by T.
Protein change: p.Ala1373Val; replaces alanine 1373 with valine.
Molecular consequence: missense variant.
Genome position (GRCh38, 1-based): chr14:74,506,107, G>A on the plus strand (C>T on the coding strand, the complement: LTBP2 is on the minus strand). VCF-style: chr14-74506107-G-A. GRCh37 (hg19) VCF-style: chr14-74972810-G-A.
Other names: short protein forms A1373V.
Identifiers: ClinVar variation 1460498 (VCV001460498.8), dbSNP rs2139691368, ClinGen allele CA390386331.
Genomic context (GRCh38, chr14:74,506,107, plus strand): 5'-CCTCCAGCCCCCCGTGGGCGGCAGTGCCCCTCCTGGGCATCGTACTCCTCCAGGTCACTG[G>A]CACAGAGGCACAGGAAGGAGCCCTCCACGTTCTCACAGAGCGCGGCCCCACATACCGCCA-3'
Protein context (NP_000419.1, residues 1363-1383): NVEGSFLCLC[Ala1373Val]SDLEEYDAQE

ClinVar aggregate classification (germline): Uncertain significance (1 of 4 stars; one submission).

Submission:

Labcorp Genetics (formerly Invitae), Labcorp
Classification: Uncertain significance. Last evaluated: 2024-06-06. Review status: criteria provided, single submitter. Criteria: Invitae Variant Classification Sherloc (09022015). Collection method: clinical testing. Allele origin: germline.
Comment: This sequence change replaces alanine, which is neutral and non-polar, with valine, which is neutral and non-polar, at codon 1373 of the LTBP2 protein (p.Ala1373Val). This variant is not present in population databases (gnomAD no frequency). This variant has not been reported in the literature in individuals affected with LTBP2-related conditions. ClinVar contains an entry for this variant (Variation ID: 1460498). An algorithm developed to predict the effect of missense changes on protein structure and function (PolyPhen-2) suggests that this variant is likely to be tolerated. In summary, the available evidence is currently insufficient to determine the role of this variant in disease. Therefore, it has been classified as a Variant of Uncertain Significance.